The following is an entry in ClinVar:

NM_001194998.2(CEP152):c.764dup (p.Leu255fs)

Gene: CEP152 (centrosomal protein 152; minus strand). Cytogenetic location: 15q21.1.
Variant type: Duplication.
Coding change: c.764dup on transcript NM_001194998.2 (MANE Select); coding-DNA position 764, one base duplicated (T; older notation c.764dupT).
Protein change: p.Leu255fs; shifts the reading frame from leucine 255.
Molecular consequence: frameshift variant.
Genome position (GRCh38, 1-based): chr15:48,793,389, A duplicated on the plus strand (T on the coding strand, the reverse complement: CEP152 is on the minus strand); the first of 2 consecutive A bases (chr15:48,793,389-48,793,390); duplicating either gives the same sequence. VCF-style (leftmost placement, unchanged base first): chr15-48793388-T-TA. GRCh37 (hg19) VCF-style: chr15-49085585-T-TA.
Other names: c.764dup, p.Leu255fs (NM_014985.4); short protein forms L255fs.
Identifiers: ClinVar variation 2760677 (VCV002760677.3), dbSNP rs2504897331, ClinGen allele CA2697549082.
Genomic context (GRCh38, chr15:48,793,388, plus strand): 5'-TATTACAAGCTGGTGATTCAGATATCGAATTTGACGTTCACTTTCATTTAACTTTTCAAT[T>TA]AAGTTCTCCAGTTGTCTCTCTTTTGCTTTGTTAAGAACCTGAAGTTGAATAATCTGCATA-3'

ClinVar aggregate classification (germline): Pathogenic (1 of 4 stars; one submission).

Submission:

Labcorp Genetics (formerly Invitae), Labcorp
Classification: Pathogenic. Last evaluated: 2023-10-06. Review status: criteria provided, single submitter. Criteria: Invitae Variant Classification Sherloc (09022015). Collection method: clinical testing. Allele origin: germline.
Comment: This sequence change creates a premature translational stop signal (p.Leu255Phefs*3) in the CEP152 gene. It is expected to result in an absent or disrupted protein product. Loss-of-function variants in CEP152 are known to be pathogenic (PMID: 21131973). This variant is not present in population databases (gnomAD no frequency). This variant has not been reported in the literature in individuals affected with CEP152-related conditions. For these reasons, this variant has been classified as Pathogenic.

Literature cited by the submitters: PubMed 21131973.